The following is an entry in ClinVar:

ClinVar aggregate classification (germline): Conflicting classifications of pathogenicity. Review status: criteria provided, conflicting classifications (1 of 4 stars). 13 submissions from 13 submitters: Uncertain significance (9); Likely benign (2). 2 of the submissions do not count toward it. Last evaluated 2025-06-12.

Conditions:
NBN-related disorder. Also called: NBN-related condition.
Hereditary cancer. Identifiers: MedGen C1333600.
Hereditary cancer-predisposing syndrome. Also called: Neoplastic Syndromes, Hereditary; Tumor predisposition; Hereditary Cancer Syndrome; Hereditary neoplastic syndrome. Identifiers: Orphanet 140162, MedGen C0027672, MeSH D009386, MONDO:0015356.
Hereditary breast ovarian cancer syndrome. Also called: BRCA1- and BRCA2-Associated Hereditary Breast and Ovarian Cancer; Hereditary breast and ovarian cancer; Hereditary breast and ovarian cancer syndrome; Hereditary breast and ovarian cancer syndrome (HBOC); Breast and ovarian cancer; Hereditary breast and/or ovarian cancer syndrome. Identifiers: Orphanet 145, MedGen C0677776, MeSH D061325, MONDO:0003582. Disease mechanism: loss of function.
Microcephaly, normal intelligence and immunodeficiency (NBS). Also called: SEEMANOVA SYNDROME II; Microcephaly with normal intelligence immunodeficiency and lymphoreticular malignancies; Nonsyndromal microcephaly autosomal recessive with normal intelligence; Seemanova syndrome 2; IMMUNODEFICIENCY, MICROCEPHALY, AND CHROMOSOMAL INSTABILITY; Immunodeficiency, microcephaly with normal intelligence. Identifiers: Orphanet 647, MedGen C0398791, MONDO:0009623, OMIM 251260.
Aplastic anemia. Identifiers: Orphanet 182040, Orphanet 88, MedGen C0002874, MONDO:0015909, OMIM 609135, HP:0001915.

Allele frequency attached by ClinVar (database versions not stated): gnomAD exomes 0.00004; ExAC 0.00009; ESP Exome Variant Server 0.00023; gnomAD 0.00024 and 0.00025; TOPMed 0.00029.
gnomAD v4.1: 60 of 1,608,366 alleles (0.0037%); highest among the groups gnomAD compares: African/African-American, 0.068%; no homozygotes.

Submissions (13):

Quest Diagnostics Nichols Institute San Juan Capistrano
Classification: Uncertain significance. Last evaluated: 2025-06-12. Review status: criteria provided, single submitter. Criteria: Quest Diagnostics criteria. Collection method: clinical testing. Allele origin: unknown.
Comment: The NBN c.1405G>T (p.Asp469Tyr) variant has been reported in the published literature in individuals with pediatric glioma (PMID: 26580448 (2015)), colorectal cancer (PMID: 35534704 (2022)), B-cell acute lymphoblastic leukemia (B-ALL) (PMID: 38446568 (2024)) as well as in reportedly unaffected individuals (PMID: 24728327 (2014), 26315354 (2015)). Additionally, this variant has been reported to be functional based on experimental studies assessing protein stability and drug sensitivity (PMID: 38446568 (2024)). The frequency of this variant in the general population (Genome Aggregation Database) is uninformative in the assessment of its pathogenicity. Analysis of this variant using bioinformatics tools for the prediction of the effect of amino acid changes on protein structure and function yielded conflicting predictions that this variant is benign or damaging. Based on the available information, we are unable to determine the clinical significance of this variant.

Mendelics
Classification: Likely benign for Hereditary cancer. Last evaluated: 2025-02-27. Review status: criteria provided, single submitter. Criteria: ACMG Guidelines, 2015. Collection method: clinical testing. Allele origin: unknown.
Comment: This variant is considered likely benign or benign based on one or more of the following: it is predicted to be benign by multiple in silico algorithms, and/or has population frequency not consistent with disease, and/or has normal protein function, and/or has lack of segregation with disease, and/or has been detected in co-occurrence with known pathogenic variant, and/or has lack of disease association in case-control studies, and/or is located in a region inconsistent with a known cause of pathogenicity.

Women's Health and Genetics/Laboratory Corporation of America, LabCorp
Classification: Uncertain significance. Last evaluated: 2025-02-06. Review status: criteria provided, single submitter. Criteria: LabCorp Variant Classification Summary - May 2015. Collection method: clinical testing. Allele origin: germline.
Comment: Variant summary: NBN c.1405G>T (p.Asp469Tyr) results in a non-conservative amino acid change in the encoded protein sequence. Three of five in-silico tools predict a damaging effect of the variant on protein function. The variant allele was found at a frequency of 4.7e-05 in 252750 control chromosomes. This frequency is not significantly higher than estimated for a pathogenic variant in NBN causing Nijmegen Breakage Syndrome (4.7e-05 vs 0.0025), allowing no conclusion about variant significance. c.1405G>T has been reported in the literature in settings of multigene panel testing among individuals with cancers and in unaffected controls (example, Ramus_2015, Wang_2008, Zhang_2015). These report(s) do not provide unequivocal conclusions about association of the variant with Nijmegen Breakage Syndrome. To our knowledge, no experimental evidence demonstrating an impact on protein function has been reported. The following publications have been ascertained in the context of this evaluation (PMID: 24728327, 26315354, 18281469, 26580448). ClinVar contains an entry for this variant (Variation ID: 134873). Based on the evidence outlined above, the variant was classified as uncertain significance.

Labcorp Genetics (formerly Invitae), Labcorp
Classification: Uncertain significance for Microcephaly, normal intelligence and immunodeficiency. Last evaluated: 2025-01-12. Review status: criteria provided, single submitter. Criteria: Invitae Variant Classification Sherloc (09022015). Collection method: clinical testing. Allele origin: germline.
Comment: This sequence change replaces aspartic acid, which is acidic and polar, with tyrosine, which is neutral and polar, at codon 469 of the NBN protein (p.Asp469Tyr). This variant is present in population databases (rs148205441, gnomAD 0.06%). This missense change has been observed in individual(s) with NBN-related cancer (PMID: 35534704, 38446568). ClinVar contains an entry for this variant (Variation ID: 134873). An algorithm developed to predict the effect of missense changes on protein structure and function (PolyPhen-2) suggests that this variant¬†is likely to be tolerated. RNA analysis performed to evaluate the impact of this missense change on mRNA splicing indicates it does not significantly alter splicing (internal data). In summary, the available evidence is currently insufficient to determine the role of this variant in disease. Therefore, it has been classified as a Variant of Uncertain Significance.

PreventionGenetics, part of Exact Sciences
Classification: Uncertain significance for NBN-related condition. Last evaluated: 2024-12-03. Review status: criteria provided, single submitter. Criteria: ACMG Guidelines, 2015. Collection method: clinical testing. Allele origin: germline.
Comment: The NBN c.1405G>T variant is predicted to result in the amino acid substitution p.Asp469Tyr. This variant has been reported as a germline variant in a pediatric patient with low grade glioma (Table S4b, Zhang et al. 2015. PubMed ID: 26580448) and as a somatic variant in individual(s) with pancreatic cancer (Table S3, Wang et al. 2008. PubMed ID: 18281469) but also was reported as a germline variant in healthy controls (Bodian et al. 2014. PubMed ID: 24728327; Table S4, Ramus et al 2015. PubMed ID: 26315354). This variant is reported in 0.066% of alleles in individuals of African descent in gnomAD and is interpreted as a variant of uncertain significance by majority of the submitters in ClinVar. At this time, the clinical significance of this variant is uncertain due to the absence of conclusive functional and genetic evidence.

GeneDx
Classification: Uncertain significance. Last evaluated: 2024-04-03. Review status: criteria provided, single submitter. Criteria: GeneDx Variant Classification Process June 2021. Collection method: clinical testing. Allele origin: germline. Affected: yes.
Comment: In silico analysis supports that this missense variant has a deleterious effect on protein structure/function; Observed in individuals with a personal and/or family history of breast, thyroid, or other cancers (PMID: 26580448, Lovejoy2018, 35534704); This variant is associated with the following publications: (PMID: 26580448, 24728327, 26315354, 18281469, Lovejoy2018, 35534704)

Baylor Genetics
Classification: Uncertain significance for Aplastic anemia. Last evaluated: 2024-03-25. Review status: criteria provided, single submitter. Criteria: ACMG Guidelines, 2015. Collection method: clinical testing. Allele origin: unknown.

National Health Laboratory Service, Universitas Academic Hospital and University of the Free State
Classification: Uncertain significance for Hereditary breast ovarian cancer syndrome. Last evaluated: 2022-04-19. Review status: criteria provided, single submitter. Criteria: ACMG Guidelines, 2015. Collection method: clinical testing. Allele origin: germline. Affected: yes. Observed: 1 variant allele.

Sema4
Classification: Uncertain significance for Hereditary cancer-predisposing syndrome. Last evaluated: 2022-03-10. Review status: criteria provided, single submitter. Criteria: Sema4 Curation Guidelines. Collection method: curation. Allele origin: germline.
Comment: The NBN c.1405G>T (p.D469Y) variant has been reported in heterozygosity in at least one individual with low-grade glioma (PMID: 26580448), but has also been reported in healthy controls (PMID: 26315354, 24728327). It was observed in 16/24412 chromosomes in the African/African American population, with no homozygotes, according to the Genome Aggregation Database (PMID: 32461654). This variant has been reported in ClinVar (Variation ID: 134873). Functional studies have not been performed, and in silico predictions of the variant's effect on protein function are inconclusive. The evidence is insufficient to meet ACMG/AMP criteria for classifying the variant as benign or pathogenic. Thus, the clinical significance of this variant is currently uncertain.

Genome-Nilou Lab
Classification: Uncertain significance for Microcephaly, normal intelligence and immunodeficiency. Last evaluated: 2021-11-07. Review status: criteria provided, single submitter. Criteria: ACMG Guidelines, 2015. Collection method: clinical testing. Allele origin: germline. Affected: no.

Ambry Genetics
Classification: Likely benign for Hereditary cancer-predisposing syndrome. Last evaluated: 2021-07-14. Review status: criteria provided, single submitter. Criteria: Ambry Variant Classification Scheme 2023. Collection method: clinical testing. Allele origin: germline.

Natera, Inc.
Classification: Uncertain significance for Nijmegen breakage syndrome. Last evaluated: 2020-09-16. Review status: no assertion criteria provided. Collection method: clinical testing. Allele origin: germline. Not counted in ClinVar's aggregate classification.

ITMI
No classification provided. Condition: AllHighlyPenetrant. Last evaluated: 2013-09-19. Review status: no classification provided. Collection method: reference population. Allele origin: germline. Not counted in ClinVar's aggregate classification.
Comment: Please see associated publication for description of ethnicities

Literature cited by the submitters: PubMed 26315354 (cited by 4 submitters); PubMed 24728327 (cited by 5 submitters); PubMed 36346689 (cited by Quest Diagnostics Nichols Institute San Juan Capistrano); PubMed 35534704 (cited by Quest Diagnostics Nichols Institute San Juan Capistrano and Labcorp Genetics (formerly Invitae), Labcorp); PubMed 38446568 (cited by Quest Diagnostics Nichols Institute San Juan Capistrano and Labcorp Genetics (formerly Invitae), Labcorp); PubMed 26580448 (cited by 4 submitters); PubMed 18281469 (cited by Women's Health and Genetics/Laboratory Corporation of America, LabCorp and Ambry Genetics).

NM_002485.5(NBN):c.1405G>T (p.Asp469Tyr)

Gene: NBN (nibrin; minus strand). Cytogenetic location: 8q21.3.
Variant type: single nucleotide variant.
Coding change: c.1405G>T on transcript NM_002485.5 (MANE Select); coding-DNA position 1405, G replaced by T.
Protein change: p.Asp469Tyr; replaces aspartic acid 469 with tyrosine.
Molecular consequence: missense variant.
Genome position (GRCh38, 1-based): chr8:89,953,684, C>A on the plus strand (G>T on the coding strand, the complement: NBN is on the minus strand). VCF-style: chr8-89953684-C-A. GRCh37 (hg19) VCF-style: chr8-90965912-C-A.
Other names: NP_002476.2:p.Asp469Tyr; c.1159G>T, p.Asp387Tyr (NM_001024688.3); short protein forms D469Y, D387Y.
Identifiers: ClinVar variation 134873 (VCV000134873.34), dbSNP rs148205441, ClinGen allele CA160966.